The following is an entry in ClinVar:

ClinVar aggregate classification (germline): Uncertain significance (1 of 4 stars; one submission).

Submission:

Labcorp Genetics (formerly Invitae), Labcorp
Classification: Uncertain significance. Last evaluated: 2025-02-17. Review status: criteria provided, single submitter. Criteria: Invitae Variant Classification Sherloc (09022015). Collection method: clinical testing. Allele origin: germline.
Comment: This sequence change replaces proline, which is neutral and non-polar, with alanine, which is neutral and non-polar, at codon 342 of the FLNB protein (p.Pro342Ala). This variant is not present in population databases (gnomAD no frequency). This variant has not been reported in the literature in individuals affected with FLNB-related conditions. Invitae Evidence Modeling of protein sequence and biophysical properties (such as structural, functional, and spatial information, amino acid conservation, physicochemical variation, residue mobility, and thermodynamic stability) indicates that this missense variant is not expected to disrupt FLNB protein function with a negative predictive value of 80%. In summary, the available evidence is currently insufficient to determine the role of this variant in disease. Therefore, it has been classified as a Variant of Uncertain Significance.

NM_001457.4(FLNB):c.1024C>G (p.Pro342Ala)

Gene: FLNB (filamin B; plus strand). Cytogenetic location: 3p14.3.
Variant type: single nucleotide variant.
Coding change: c.1024C>G on transcript NM_001457.4 (MANE Select); coding-DNA position 1024, C replaced by G.
Protein change: p.Pro342Ala; replaces proline 342 with alanine.
Molecular consequence: missense variant.
Genome position (GRCh38, 1-based): chr3:58,097,854, C>G. VCF-style: chr3-58097854-C-G. GRCh37 (hg19) VCF-style: chr3-58083581-C-G.
Other names: c.1024C>G, p.Pro342Ala (NM_001164317.2, NM_001164318.2, NM_001164319.2); short protein forms P342A.
Identifiers: ClinVar variation 4801682 (VCV004801682.1).